The following is an entry in ClinVar:

NM_001042492.3(NF1):c.3106A>T (p.Lys1036Ter)

Gene: NF1 (neurofibromin 1; plus strand). Cytogenetic location: 17q11.2.
Variant type: single nucleotide variant.
Coding change: c.3106A>T on transcript NM_001042492.3 (MANE Select); coding-DNA position 3106, A replaced by T.
Protein change: p.Lys1036Ter; replaces lysine 1036 with a stop codon.
Molecular consequence: nonsense.
Genome position (GRCh38, 1-based): chr17:31,230,375, A>T. VCF-style: chr17-31230375-A-T. GRCh37 (hg19) VCF-style: chr17-29557393-A-T.
Other names: c.3106A>T, p.Lys1036Ter (NM_000267.4); short protein forms K1036*.
Identifiers: ClinVar variation 620488 (VCV000620488.4), dbSNP rs1567849891, ClinGen allele CA398987700.

ClinVar aggregate classification (germline): Pathogenic. Review status: criteria provided, multiple submitters, no conflicts (2 of 4 stars). 2 submissions from 2 submitters: Pathogenic (2). Last evaluated 2025-06-03.

Conditions:
Neurofibromatosis, type 1 (NF1). Also called: VON RECKLINGHAUSEN DISEASE; NEUROFIBROMATOSIS, TYPE I, SOMATIC; Peripheral type neurofibromatosis; Neurofibromatosis, type I. Identifiers: Orphanet 636, MedGen C0027831, MONDO:0018975, OMIM 162200. Disease mechanism: loss of function.

Submissions (2):

Labcorp Genetics (formerly Invitae), Labcorp
Classification: Pathogenic for Neurofibromatosis, type 1. Last evaluated: 2025-06-03. Review status: criteria provided, single submitter. Criteria: Invitae Variant Classification Sherloc (09022015). Collection method: clinical testing. Allele origin: germline.
Comment: This sequence change creates a premature translational stop signal (p.Lys1036*) in the NF1 gene. It is expected to result in an absent or disrupted protein product. Loss-of-function variants in NF1 are known to be pathogenic (PMID: 10712197, 23913538). This variant is not present in population databases (gnomAD no frequency). This variant has not been reported in the literature in individuals affected with NF1-related conditions. ClinVar contains an entry for this variant (Variation ID: 620488). For these reasons, this variant has been classified as Pathogenic.

GeneDx
Classification: Pathogenic. Last evaluated: 2018-12-05. Review status: criteria provided, single submitter. Criteria: GeneDx Variant Classification (06012015). Collection method: clinical testing. Allele origin: germline. Affected: yes.
Comment: The K1036X nonsense variant in the NF1 gene is predicted to cause loss of normal protein function either through protein truncation or nonsense-mediated mRNA decay. This variant has not been observed in large population cohorts (Lek et al., 2016). Although this pathogenic variant has not been reported previously to our knowledge, its presence is consistent with a molecular diagnosis of neurofibromatosis type 1.

Literature cited by the submitters: PubMed 10712197 (cited by Labcorp Genetics (formerly Invitae), Labcorp); PubMed 23913538 (cited by Labcorp Genetics (formerly Invitae), Labcorp).